The following is an entry in ClinVar:

NM_003968.4(UBA3):c.20+7A>G

Gene: UBA3 (ubiquitin like modifier activating enzyme 3; minus strand). Cytogenetic location: 3p14.1.
Variant type: single nucleotide variant.
Coding change: c.20+7A>G on transcript NM_003968.4 (MANE Select); 7 bases into the intron after coding-DNA position 20, A replaced by G.
Molecular consequence: intron variant.
Genome position (GRCh38, 1-based): chr3:69,080,327, T>C on the plus strand (A>G on the coding strand, the complement: UBA3 is on the minus strand). VCF-style: chr3-69080327-T-C. GRCh37 (hg19) VCF-style: chr3-69129478-T-C.
Other names: c.20+7A>G (NM_001363861.1, NM_198195.2).
Identifiers: ClinVar variation 3027286 (VCV003027286.22), dbSNP rs2092209468, ClinGen allele CA1373022053.
Genomic context (GRCh38, chr3:69,080,327, plus strand): 5'-CCGCCCACCGCCGCGCTCTCTCACAACCCAGCCCAGCCCGGCGCGTCTGCAGAGCCCCGG[T>C]ACTTACGGCTCCTCGCCATCCGCCATATTGTTCTCCGCCTCTTCCCAGGTGCCCACGCGC-3'

ClinVar aggregate classification (germline): Uncertain significance (1 of 4 stars; one submission).

gnomAD v4.1: 5 of 1,603,210 alleles (0.00031%); highest among the groups gnomAD compares: Non-Finnish European, 0.00042%; no homozygotes.

Submission:

CeGaT Center for Human Genetics Tuebingen
Classification: Uncertain significance. Last evaluated: 2024-02-01. Review status: criteria provided, single submitter. Criteria: CeGaT Center For Human Genetics Tuebingen Variant Classification Criteria Version 2. Collection method: clinical testing. Allele origin: germline. Affected: yes. Observed: 1 variant allele.
Comment: UBA3: PM2, BP4